The following is an entry in ClinVar:

NM_004817.4(TJP2):c.1179G>A (p.Pro393=)

Gene: TJP2 (tight junction protein 2; plus strand). Cytogenetic location: 9q21.11.
Variant type: single nucleotide variant.
Coding change: c.1179G>A on transcript NM_004817.4 (MANE Select); coding-DNA position 1179, G replaced by A.
Protein change: p.Pro393=; no amino-acid change (proline 393 retained).
Molecular consequence: synonymous variant.
Genome position (GRCh38, 1-based): chr9:69,226,144, G>A. VCF-style: chr9-69226144-G-A. GRCh37 (hg19) VCF-style: chr9-71841060-G-A.
Other names: c.1110G>A, p.Pro370= (NM_001170414.2, NM_001369870.1, NM_001369871.1); c.1191G>A, p.Pro397= (NM_001170415.1, NM_001369874.1, NM_001369875.1); c.1272G>A, p.Pro424= (NM_001170416.2); c.1179G>A, p.Pro393= (NM_001369872.1, NM_001369873.1, NM_201629.3).
Identifiers: ClinVar variation 3969099 (VCV003969099.3).

ClinVar aggregate classification (germline): Likely benign. Review status: criteria provided, multiple submitters, no conflicts (2 of 4 stars). 3 submissions from 3 submitters: Likely benign (3). Last evaluated 2025-10-24.

Conditions:
TJP2-related disorder. Also called: TJP2-related condition.
Inborn genetic diseases. Identifiers: MedGen C0950123, MeSH D030342.

Submissions (3):

Labcorp Genetics (formerly Invitae), Labcorp
Classification: Likely benign. Last evaluated: 2025-10-24. Review status: criteria provided, single submitter. Criteria: Invitae Variant Classification Sherloc (09022015). Collection method: clinical testing. Allele origin: germline.

PreventionGenetics, part of Exact Sciences
Classification: Likely benign for TJP2-related condition. Last evaluated: 2025-07-24. Review status: criteria provided, single submitter. Criteria: ACMG Guidelines, 2015. Collection method: clinical testing. Allele origin: germline.
Comment: This variant is classified as likely benign based on ACMG/AMP sequence variant interpretation guidelines (Richards et al. 2015 PMID: 25741868, with internal and published modifications).

Ambry Genetics
Classification: Likely benign for Inborn genetic diseases. Last evaluated: 2025-04-13. Review status: criteria provided, single submitter. Criteria: Ambry Variant Classification Scheme 2023. Collection method: clinical testing. Allele origin: germline.